The following is an entry in ClinVar:

NM_003280.3(TNNC1):c.430A>G (p.Asn144Asp)

Gene: TNNC1 (troponin C1, slow skeletal and cardiac type; minus strand). Cytogenetic location: 3p21.1.
Variant type: single nucleotide variant.
Coding change: c.430A>G on transcript NM_003280.3 (MANE Select); coding-DNA position 430, A replaced by G.
Protein change: p.Asn144Asp; replaces asparagine 144 with aspartic acid.
Molecular consequence: missense variant.
Genome position (GRCh38, 1-based): chr3:52,451,415, T>C on the plus strand (A>G on the coding strand, the complement: TNNC1 is on the minus strand). VCF-style: chr3-52451415-T-C. GRCh37 (hg19) VCF-style: chr3-52485431-T-C.
Other names: p.N144D:AAC>GAC; c.430A>G (LRG_378t1); short protein forms N144D.
Identifiers: ClinVar variation 181567 (VCV000181567.25), dbSNP rs730881061, ClinGen allele CA297328.

ClinVar aggregate classification (germline): Conflicting classifications of pathogenicity. Review status: criteria provided, conflicting classifications (1 of 4 stars). 9 submissions from 9 submitters: Pathogenic (2); Likely pathogenic (5); Uncertain significance (2). Last evaluated 2026-01-26.

Conditions:
TNNC1-related disorder. Also called: TNNC1-related condition.
Cardiovascular phenotype. Identifiers: MedGen CN230736.
Dilated cardiomyopathy 1Z (CMD1Z). Identifiers: Orphanet 154, MedGen C2678475, MONDO:0012745, OMIM 611879.
Hypertrophic cardiomyopathy 13. Also called: TNNC1-Related Familial Hypertrophic Cardiomyopathy. Identifiers: MedGen C2750472, MONDO:0013195, OMIM 613243.
Cardiomyopathy (CMYO). Also called: Cardiomyopathies. Identifiers: Orphanet 167848, MedGen C0878544, MONDO:0004994, HP:0001638. Inheritance: Various modes of inheritance.
Hypertrophic cardiomyopathy. Also called: HYPERTROPHIC MYOCARDIOPATHY. Identifiers: Orphanet 217569, MedGen C0007194, MeSH D002312, MONDO:0005045, HP:0001639.

Allele frequency attached by ClinVar (database versions not stated): gnomAD 0.00001; TOPMed 0.00001; gnomAD exomes 0.00002.
gnomAD v4.1: 31 of 1,614,018 alleles (0.0019%); highest among the groups gnomAD compares: African/African-American, 0.004%; no homozygotes.

Submissions (9):

Medical and Scientific Branch, Hong Kong Genome Institute
Classification: Likely pathogenic for Hypertrophic cardiomyopathy 13. Last evaluated: 2026-01-26. Review status: criteria provided, single submitter. Criteria: ACMG Guidelines, 2015. Collection method: clinical testing. Allele origin: unknown. Affected: yes.

Labcorp Genetics (formerly Invitae), Labcorp
Classification: Pathogenic for Hypertrophic cardiomyopathy 13; Dilated cardiomyopathy 1Z. Last evaluated: 2026-01-19. Review status: criteria provided, single submitter. Criteria: Invitae Variant Classification Sherloc (09022015). Collection method: clinical testing. Allele origin: germline.
Comment: This sequence change replaces asparagine, which is neutral and polar, with aspartic acid, which is acidic and polar, at codon 144 of the TNNC1 protein (p.Asn144Asp). This variant is not present in population databases (gnomAD no frequency). This missense change has been observed in individuals with dilated cardiomyopathy and/or hypertrophic cardiomyopathy (PMID: 29255176, 30165862, 30847666, 31513939, 32880476, 37089884). It has also been observed to segregate with disease in related individuals. ClinVar contains an entry for this variant (Variation ID: 181567). An algorithm developed to predict the effect of missense changes on protein structure and function (PolyPhen-2) suggests that this variant is likely to be tolerated. For these reasons, this variant has been classified as Pathogenic.

GeneDx
Classification: Likely pathogenic. Last evaluated: 2025-08-15. Review status: criteria provided, single submitter. Criteria: GeneDx Variant Classification Process June 2021. Collection method: clinical testing. Allele origin: germline. Affected: yes.
Comment: Not observed at significant frequency in large population cohorts (gnomAD); In silico analysis suggests that this missense variant does not alter protein structure/function; This variant is associated with the following publications: (PMID: 25351510, 30165862, 32880476, 30847666, 31513939, 37089884, 29255176, 39472908)

PreventionGenetics, part of Exact Sciences
Classification: Likely pathogenic for TNNC1-related condition. Last evaluated: 2025-07-21. Review status: criteria provided, single submitter. Criteria: ACMG Guidelines, 2015. Collection method: clinical testing. Allele origin: germline.
Comment: The TNNC1 c.430A>G variant is predicted to result in the amino acid substitution p.Asn144Asp. This variant has been reported in multiple individuals with hypertrophic or dilated cardiomyopathy or heart failure (Table S1, Lopes et al. 2014. PubMed ID: 25351510; Robyns et al. 2017. PubMed ID: 29255176; Lu et al. 2018. PubMed ID: 30165862; Table S1, Robyns et al. 2019. PubMed ID: 31513939; File S2, van Lint et al. 2019. PubMed ID: 30847666; Table S2, Magrì et al. 2020. PubMed ID: 32481709; Table S4, Verdonschot et al. 2020. PubMed ID: 32880476). In one family this variant was found to segregate with hypertrophic cardiomyopathy in three individuals (Robyns et al. 2017. PubMed ID: 29255176). This variant has not been reported in a large population database (gnomAD), indicating this variant is rare. In ClinVar, this variant has conflicting interpretations of pathogenicity, including uncertain, likely pathogenic, and pathogenic (ClinVar ID: 181567). This variant is interpreted as likely pathogenic.

Ambry Genetics
Classification: Uncertain significance for Cardiovascular phenotype. Last evaluated: 2025-04-18. Review status: criteria provided, single submitter. Criteria: Ambry Variant Classification Scheme 2023. Collection method: clinical testing. Allele origin: germline.
Comment: The p.N144D variant (also known as c.430A>G), located in coding exon 5 of the TNNC1 gene, results from an A to G substitution at nucleotide position 430. The asparagine at codon 144 is replaced by aspartic acid, an amino acid with highly similar properties. This variant was identified in one or more individuals with features consistent with TNNC1-related cardiomyopathy (most frequently hypertrophic cardiomyopathy) and segregated with disease in at least one family (Lopes LR et al. Heart, 2015 Feb;101:294-301; Robyns T et al. Eur J Hum Genet, 2017 12;25:1313-1323; Lu C et al. J Transl Med, 2018 08;16:241; van Lint FHM et al. Neth Heart J, 2019 Jun;27:304-309; Magr&igrave; D et al. J Clin Med. 2020 May;9(6); Pua CJ et al. Circ Genom Precis Med. 2020 Oct;13(5):424-434; Robyns T et al. Eur J Med Genet. 2020 Mar;63(3):103754; Verdonschot JAJ et al. Circ Genom Precis Med. 2020 10;13(5):476-487; Cava F et al. Front Cardiovasc Med. 2023 Apr;10:1112759; Ambry internal data). This amino acid position is well conserved in available vertebrate species. In addition, this alteration is predicted to be tolerated by in silico analysis. Since supporting evidence is limited at this time, the clinical significance of this alteration remains unclear.

Blueprint Genetics
Classification: Likely pathogenic for TNNC1-related disorders. Last evaluated: 2022-10-27. Review status: criteria provided, single submitter. Criteria: ACMG Guidelines, 2015. Collection method: clinical testing. Allele origin: germline. Affected: yes. Observed: 3 variant alleles.

3billion
Classification: Likely pathogenic for Hypertrophic cardiomyopathy 13. Last evaluated: 2022-01-03. Review status: criteria provided, single submitter. Criteria: ACMG Guidelines, 2015. Collection method: clinical testing. Allele origin: germline. Affected: yes. Observed: 1 heterozygote.
Comment: Same nucleotide change resulting in same amino acid change has been previously reported to be associated with TNNC1 related disorder (PMID:30165862, PS1_P). In silico tool predictions suggest damaging effect of the variant on gene or gene product (3CNET: 0.867, PP3_P). A missense variant is a common mechanism associated with Cardiomyopathy (PP2_P). It is not observed in the gnomAD v2.1.1 dataset (PM2_M). Patient's phenotype is considered compatible with Cardiomyopathy, hypertrophic, 13 (3billion dataset, PP4_P). Therefore, this variant is classified as likely pathogenic according to the recommendation of ACMG/AMP guideline.

Center for Human Genetics, University of Leuven
Classification: Pathogenic for Hypertrophic cardiomyopathy. Last evaluated: 2018-10-31. Review status: criteria provided, single submitter. Criteria: ACMG Guidelines, 2015. Collection method: clinical testing. Allele origin: germline. Affected: yes.

CHEO Genetics Diagnostic Laboratory, Children's Hospital of Eastern Ontario
Classification: Uncertain significance for Cardiomyopathy. Last evaluated: 2016-11-24. Review status: criteria provided, single submitter. Criteria: ACMG Guidelines, 2015. Collection method: clinical testing. Allele origin: germline. Study: Canadian Open Genetics Repository.

Literature cited by the submitters: PubMed 29255176 (cited by Labcorp Genetics (formerly Invitae), Labcorp and Ambry Genetics); PubMed 30165862 (cited by 3 submitters); PubMed 30847666 (cited by Labcorp Genetics (formerly Invitae), Labcorp and Ambry Genetics); PubMed 31513939 (cited by Labcorp Genetics (formerly Invitae), Labcorp); PubMed 32880476 (cited by Labcorp Genetics (formerly Invitae), Labcorp and Ambry Genetics); PubMed 37089884 (cited by Labcorp Genetics (formerly Invitae), Labcorp and Ambry Genetics); PubMed 25351510 (cited by Ambry Genetics); PubMed 32481709 (cited by Ambry Genetics); PubMed 32815737 (cited by Ambry Genetics); PubMed 39472908 (cited by Ambry Genetics).